The following is an entry in ClinVar:

NC_000022.10:g.(?_24143121)_(24145619_?)dup

Gene: SMARCB1 (SWI/SNF related BAF chromatin remodeling complex subunit B1; plus strand). Cytogenetic location: 22q11.23.
Variant type: Duplication.
Identifiers: ClinVar variation 2424622 (VCV002424622.4).

ClinVar aggregate classification (germline): Pathogenic (1 of 4 stars; one submission).

Submission:

Labcorp Genetics (formerly Invitae), Labcorp
Classification: Pathogenic. Last evaluated: 2023-08-31. Review status: criteria provided, single submitter. Criteria: Invitae Variant Classification Sherloc (09022015). Collection method: clinical testing. Allele origin: germline.
Comment: This variant results in a copy number gain of the genomic region encompassing exon(s) 4-5 of the SMARCB1 gene. While the exact position of this variant cannot be determined from the data, sub-genic copy number gains are generally in tandem (PMID: 25640679). This variant is predicted to be out-of-frame, and may result in an absent or disrupted protein product. Loss-of-function variants in SMARCB1 are known to be pathogenic (PMID: 10521299, 21208904). A similar copy number variant has been observed in individual(s) with teratoid/rhabdoid tumors (PMID: 20848638; Invitae). In at least one individual the variant was observed to be de novo. For these reasons, this variant has been classified as Pathogenic.

Literature cited by the submitters: PubMed 25640679; PubMed 10521299; PubMed 21208904; PubMed 20848638.